The following is an entry in ClinVar:

ClinVar aggregate classification (germline): Likely benign. Review status: criteria provided, single submitter (1 of 4 stars). 2 submissions from 2 submitters: Likely benign (1). 1 of the submissions does not count toward it. Last evaluated 2025-01-29.

Conditions:
FOXF1-related disorder. Also called: FOXF1-related condition.

Allele frequency attached by ClinVar (database versions not stated): gnomAD exomes 0.00010; 1000 Genomes Project 30x 0.00016.

Submissions (2):

Labcorp Genetics (formerly Invitae), Labcorp
Classification: Likely benign. Last evaluated: 2025-01-29. Review status: criteria provided, single submitter. Criteria: Invitae Variant Classification Sherloc (09022015). Collection method: clinical testing. Allele origin: germline.

PreventionGenetics, part of Exact Sciences
Classification: Likely benign for FOXF1-related condition. Last evaluated: 2022-10-24. Review status: no assertion criteria provided. Collection method: clinical testing. Allele origin: germline. Not counted in ClinVar's aggregate classification.
Comment: This variant is classified as likely benign based on ACMG/AMP sequence variant interpretation guidelines (Richards et al. 2015 PMID: 25741868, with internal and published modifications).

NM_001451.3(FOXF1):c.696G>T (p.Ala232=)

Gene: FOXF1 (forkhead box F1; plus strand). Cytogenetic location: 16q24.1.
Variant type: single nucleotide variant.
Coding change: c.696G>T on transcript NM_001451.3 (MANE Select); coding-DNA position 696, G replaced by T.
Protein change: p.Ala232=; no amino-acid change (alanine 232 retained).
Molecular consequence: synonymous variant.
Genome position (GRCh38, 1-based): chr16:86,511,265, G>T. VCF-style: chr16-86511265-G-T. GRCh37 (hg19) VCF-style: chr16-86544871-G-T.
Other names: c.696G>T (NM_001451.2).
Identifiers: ClinVar variation 1586163 (VCV001586163.10), dbSNP rs751218137, ClinGen allele CA8217442.